The following is an entry in ClinVar:

ClinVar aggregate classification (germline): Likely pathogenic. Review status: criteria provided, single submitter (1 of 4 stars). 2 submissions from 2 submitters: Likely pathogenic (1). 1 of the submissions does not count toward it. Last evaluated 2020-08-21.

Conditions:
PCNT-related disorder. Also called: PCNT-related condition.

Submissions (2):

Blueprint Genetics
Classification: Likely pathogenic for PCNT-related disorders. Last evaluated: 2020-08-21. Review status: criteria provided, single submitter. Criteria: ACMG Guidelines, 2015. Collection method: clinical testing. Allele origin: germline. Affected: yes. Observed: 1 variant allele.

PreventionGenetics, part of Exact Sciences
Classification: Likely pathogenic for PCNT-related condition. Last evaluated: 2024-06-07. Review status: no assertion criteria provided. Collection method: clinical testing. Allele origin: germline. Not counted in ClinVar's aggregate classification.
Comment: The PCNT c.2154+1G>A variant is predicted to disrupt the GT donor site and interfere with normal splicing. To our knowledge, this variant has not been reported in the literature or in a large population database, indicating this variant is rare. Variants that disrupt the consensus splice donor site in PCNT are expected to be pathogenic. This variant is interpreted as likely pathogenic.

NM_006031.6(PCNT):c.2154+1G>A

Gene: PCNT (pericentrin; plus strand). Cytogenetic location: 21q22.3.
Variant type: single nucleotide variant.
Coding change: c.2154+1G>A on transcript NM_006031.6 (MANE Select); the canonical splice donor site of the intron after coding-DNA position 2154, G replaced by A.
Molecular consequence: splice donor variant.
Genome position (GRCh38, 1-based): chr21:46,357,192, G>A. VCF-style: chr21-46357192-G-A. GRCh37 (hg19) VCF-style: chr21-47777107-G-A.
Other names: c.1800+1G>A (NM_001315529.2).
Identifiers: ClinVar variation 3349433 (VCV003349433.2).